The following is an entry in ClinVar:

ClinVar aggregate classification (germline): Uncertain significance. Review status: criteria provided, multiple submitters, no conflicts (2 of 4 stars). 2 submissions from 2 submitters: Uncertain significance (2). Last evaluated 2026-01-14.

Conditions:
Gorlin syndrome. Also called: Basal cell nevus syndrome; Nevoid Basal Cell Carcinoma Syndrome. Identifiers: Orphanet 377, MedGen C0004779, MONDO:0007187.
Hereditary cancer-predisposing syndrome. Also called: Neoplastic Syndromes, Hereditary; Hereditary neoplastic syndrome; Tumor predisposition; Hereditary Cancer Syndrome. Identifiers: Orphanet 140162, MedGen C0027672, MeSH D009386, MONDO:0015356.

gnomAD v4.1: 1 of 1,614,216 alleles (0.000062%); no homozygotes.

Submissions (2):

Ambry Genetics
Classification: Uncertain significance for Hereditary cancer-predisposing syndrome. Last evaluated: 2026-01-14. Review status: criteria provided, single submitter. Criteria: Ambry Variant Classification Scheme 2023. Collection method: clinical testing. Allele origin: germline.
Comment: The p.N940D variant (also known as c.2818A>G), located in coding exon 17 of the PTCH1 gene, results from an A to G substitution at nucleotide position 2818. The asparagine at codon 940 is replaced by aspartic acid, an amino acid with highly similar properties. This amino acid position is conserved. In addition, the in silico prediction for this alteration is inconclusive. Based on the available evidence, the clinical significance of this variant remains unclear.

Labcorp Genetics (formerly Invitae), Labcorp
Classification: Uncertain significance for Gorlin syndrome. Last evaluated: 2018-02-23. Review status: criteria provided, single submitter. Criteria: Invitae Variant Classification Sherloc (09022015). Collection method: clinical testing. Allele origin: germline.
Comment: Algorithms developed to predict the effect of missense changes on protein structure and function do not agree on the potential impact of this missense change (SIFT: "Tolerated"; PolyPhen-2: "Possibly Damaging"; Align-GVGD: "Class C0"). In summary, the available evidence is currently insufficient to determine the role of this variant in disease. Therefore, it has been classified as a Variant of Uncertain Significance. This sequence change replaces asparagine with aspartic acid at codon 940 of the PTCH1 protein (p.Asn940Asp). The asparagine residue is moderately conserved and there is a small physicochemical difference between asparagine and aspartic acid. This variant is not present in population databases (ExAC no frequency). This variant has not been reported in the literature in individuals with PTCH1-related disease.

NM_000264.5(PTCH1):c.2818A>G (p.Asn940Asp)

Gene: PTCH1 (patched 1; minus strand). Cytogenetic location: 9q22.32.
Variant type: single nucleotide variant.
Coding change: c.2818A>G on transcript NM_000264.5 (MANE Select); coding-DNA position 2818, A replaced by G.
Protein change: p.Asn940Asp; replaces asparagine 940 with aspartic acid.
Molecular consequence: missense variant. On other transcripts: non-coding transcript variant (1).
Genome position (GRCh38, 1-based): chr9:95,459,669, T>C on the plus strand (A>G on the coding strand, the complement: PTCH1 is on the minus strand). VCF-style: chr9-95459669-T-C. GRCh37 (hg19) VCF-style: chr9-98221951-T-C.
Other names: c.2620A>G, p.Asn874Asp (NM_001083602.3); c.2815A>G, p.Asn939Asp (NM_001083603.3); c.2365A>G, p.Asn789Asp (NM_001083604.3, NM_001083605.3, NM_001083606.3 and 1 more transcripts); c.2662A>G, p.Asn888Asp (NM_001354918.2); short protein forms N940D, N874D, N888D, N789D, N939D.
Identifiers: ClinVar variation 580276 (VCV000580276.10), dbSNP rs1564021422, ClinGen allele CA374113015.
Genomic context (GRCh38, chr9:95,459,669, plus strand): 5'-TTGTTTCAGGCATGTAGTCGGCTTTGTCGTGGACCCATTCTGGTCGGTGTGGCCGGATGT[T>C]GGCCTGGGAGGCAGCATACGCGACGGGGTCGTTGCTGACCCAAGCCGTCAGGTAGATGTA-3'
Protein context (NP_000255.2, residues 930-950): DPVAYAASQA[Asn940Asp]IRPHRPEWVH